The following is an entry in ClinVar:

ClinVar aggregate classification (germline): Uncertain significance (1 of 4 stars; one submission).

Conditions:
Brugada syndrome 8 (BRGDA8). Identifiers: Orphanet 130, MedGen C2751083, MONDO:0013148, OMIM 613123.

Submission:

Labcorp Genetics (formerly Invitae), Labcorp
Classification: Uncertain significance for Brugada syndrome 8. Last evaluated: 2023-05-30. Review status: criteria provided, single submitter. Criteria: Invitae Variant Classification Sherloc (09022015). Collection method: clinical testing. Allele origin: germline.
Comment: In summary, the available evidence is currently insufficient to determine the role of this variant in disease. Therefore, it has been classified as a Variant of Uncertain Significance. Advanced modeling of protein sequence and biophysical properties (such as structural, functional, and spatial information, amino acid conservation, physicochemical variation, residue mobility, and thermodynamic stability) performed at Invitae indicates that this missense variant is not expected to disrupt HCN4 protein function. This variant has not been reported in the literature in individuals affected with HCN4-related conditions. This variant is not present in population databases (gnomAD no frequency). This sequence change replaces alanine, which is neutral and non-polar, with aspartic acid, which is acidic and polar, at codon 794 of the HCN4 protein (p.Ala794Asp).

NM_005477.3(HCN4):c.2381C>A (p.Ala794Asp)

Gene: HCN4 (hyperpolarization activated cyclic nucleotide gated potassium channel 4; minus strand). Cytogenetic location: 15q24.1.
Variant type: single nucleotide variant.
Coding change: c.2381C>A on transcript NM_005477.3 (MANE Select); coding-DNA position 2381, C replaced by A.
Protein change: p.Ala794Asp; replaces alanine 794 with aspartic acid.
Molecular consequence: missense variant.
Genome position (GRCh38, 1-based): chr15:73,323,712, G>T on the plus strand (C>A on the coding strand, the complement: HCN4 is on the minus strand). VCF-style: chr15-73323712-G-T. GRCh37 (hg19) VCF-style: chr15-73616053-G-T.
Other names: short protein forms A794D.
Identifiers: ClinVar variation 2749465 (VCV002749465.3), dbSNP rs2549069060, ClinGen allele CA393089002.